The following is an entry in ClinVar:

NM_002890.3(RASA1):c.2691-1G>T

Genes: CCNH (cyclin H; minus strand), RASA1 (RAS p21 protein activator 1; plus strand). Cytogenetic location: 5q14.3.
Variant type: single nucleotide variant.
Coding change: c.2691-1G>T on transcript NM_002890.3 (MANE Select); the canonical splice acceptor site of the intron before coding-DNA position 2691, G replaced by T.
Molecular consequence: splice acceptor variant. On other transcripts: intron variant (1).
Genome position (GRCh38, 1-based): chr5:87,383,712, G>T. VCF-style: chr5-87383712-G-T. GRCh37 (hg19) VCF-style: chr5-86679529-G-T.
Other names: c.2160-1G>T (NM_022650.3); c.933+11332C>A (NM_001364075.2).
Identifiers: ClinVar variation 2921092 (VCV002921092.2), dbSNP rs2531373838, ClinGen allele CA360386229.

ClinVar aggregate classification (germline): Pathogenic/Likely pathogenic. Review status: criteria provided, multiple submitters, no conflicts (2 of 4 stars). 2 submissions from 2 submitters: Pathogenic (1); Likely pathogenic (1). Last evaluated 2023-09-27.

Conditions:
Capillary malformation-arteriovenous malformation 1 (CMAVM1). Identifiers: Orphanet 137667, Orphanet 693907, MedGen C4747394, MONDO:0020783, OMIM 608354.

Submissions (2):

ARUP Laboratories, Molecular Genetics and Genomics, ARUP Laboratories
Classification: Likely pathogenic. Last evaluated: 2023-09-27. Review status: criteria provided, single submitter. Criteria: ARUP Molecular Germline Variant Investigation Process 2024. Collection method: clinical testing. Allele origin: germline.
Comment: The RASA1 c.2691-1G>T variant, to our knowledge, is not reported in the medical literature or gene specific databases. This variant is also absent from the Genome Aggregation Database, indicating it is not a common polymorphism. This variant disrupts the canonical splice acceptor site of intron 20, which is likely to negatively impact gene function. Based on available information, this variant is considered to be likely pathogenic.

Seattle Children's Hospital Molecular Genetics Laboratory, Seattle Children's Hospital
Classification: Pathogenic for Capillary malformation-arteriovenous malformation 1. Review status: criteria provided, single submitter. Criteria: ACMG Guidelines, 2015. Collection method: clinical testing. Allele origin: germline. Affected: yes.
Comment: The c.2691-1G>T variant disrupts a splice acceptor site and is predicted to result in an out-of-frame skipping of exon 21, resulting in loss of protein function. This variant has not been reported in the medical literature or in patient databases. The c.2691-1G>T variant is absent from large population studies (gnomAD v4.1.0). Pathogenic or likely pathogenic variants at acceptor or donor splice sites in RASA1 have been described in several individuals with Capillary Malformation-Arteriovenous Malformation Syndrome (CM-AVM, MIM#608354).